The following is an entry in ClinVar:

NM_001394372.1(BICRA):c.2385C>T (p.His795=)

Gene: BICRA (BRD4 interacting chromatin remodeling complex associated protein; plus strand). Cytogenetic location: 19q13.33.
Variant type: single nucleotide variant.
Coding change: c.2385C>T on transcript NM_001394372.1 (MANE Select); coding-DNA position 2385, C replaced by T.
Protein change: p.His795=; no amino-acid change (histidine 795 retained).
Molecular consequence: synonymous variant.
Genome position (GRCh38, 1-based): chr19:47,694,216, C>T. VCF-style: chr19-47694216-C-T. GRCh37 (hg19) VCF-style: chr19-48197473-C-T.
Other names: c.2385C>T, p.His795= (NM_015711.3).
Identifiers: ClinVar variation 3234287 (VCV003234287.20), dbSNP rs570764323, ClinGen allele CA9541897.

ClinVar aggregate classification (germline): Likely benign (1 of 4 stars; one submission).

Allele frequency attached by ClinVar (database versions not stated): gnomAD exomes 0.00028; ExAC 0.00045; gnomAD 0.00300; 1000 Genomes Project 30x 0.00609; 1000 Genomes Project 0.00699.
gnomAD v4.1: 757 of 1,198,068 alleles (0.063%); highest among the groups gnomAD compares: African/African-American, 1.1%; 3 homozygotes.

Submission:

CeGaT Center for Human Genetics Tuebingen
Classification: Likely benign. Last evaluated: 2024-04-01. Review status: criteria provided, single submitter. Criteria: CeGaT Center For Human Genetics Tuebingen Variant Classification Criteria Version 2. Collection method: clinical testing. Allele origin: germline. Affected: yes. Observed: 1 variant allele.
Comment: BICRA: BP4, BP7